The following is an entry in ClinVar:

ClinVar aggregate classification (germline): Uncertain significance. Review status: criteria provided, multiple submitters, no conflicts (2 of 4 stars). 4 submissions from 4 submitters: Uncertain significance (3). 1 of the submissions does not count toward it. Last evaluated 2025-11-05.

Conditions:
Hereditary cancer-predisposing syndrome. Also called: Hereditary neoplastic syndrome; Neoplastic Syndromes, Hereditary; Tumor predisposition; Hereditary Cancer Syndrome. Identifiers: Orphanet 140162, MedGen C0027672, MeSH D009386, MONDO:0015356.
Ataxia-telangiectasia syndrome (AT). Also called: Ataxia telangiectasia (A-T); LOUIS-BAR SYNDROME; Cerebello-oculocutaneous telangiectasia; Immunodeficiency with ataxia telangiectasia; Ataxia-telangiectasia, complementation group D; AT, COMPLEMENTATION GROUP C. Identifiers: Orphanet 100, MedGen C0004135, MONDO:0008840, OMIM 208900.

Allele frequency attached by ClinVar (database versions not stated): gnomAD 0.00001; TOPMed 0.00001.
gnomAD v4.1: 1 of 1,603,784 alleles (0.000062%); highest among the groups gnomAD compares: Admixed American, 0.0017%; no homozygotes.

Submissions (4):

Labcorp Genetics (formerly Invitae), Labcorp
Classification: Uncertain significance for Ataxia-telangiectasia syndrome. Last evaluated: 2025-11-05. Review status: criteria provided, single submitter. Criteria: Invitae Variant Classification Sherloc (09022015). Collection method: clinical testing. Allele origin: germline.
Comment: This sequence change falls in intron 6 of the ATM gene. It does not directly change the encoded amino acid sequence of the ATM protein. This variant is not present in population databases (gnomAD no frequency). This variant has not been reported in the literature in individuals affected with ATM-related conditions. ClinVar contains an entry for this variant (Variation ID: 407658). Studies have shown that this variant is associated with altered splicing resulting in unknown protein product impact (internal data). In summary, the available evidence is currently insufficient to determine the role of this variant in disease. Therefore, it has been classified as a Variant of Uncertain Significance.

Color Diagnostics, LLC DBA Color Health
Classification: Uncertain significance for Hereditary cancer-predisposing syndrome. Last evaluated: 2023-01-09. Review status: criteria provided, single submitter. Criteria: ACMG Guidelines, 2015. Collection method: clinical testing. Allele origin: germline.
Comment: This variant causes a C to A nucleotide substitution at the -8 position of intron 6 of the ATM gene. To our knowledge, functional studies have not been reported for this variant. This variant has not been reported in individuals affected with ATM-related disorders in the literature. This variant has not been identified in the general population by the Genome Aggregation Database (gnomAD). The available evidence is insufficient to determine the role of this variant in disease conclusively. Therefore, this variant is classified as a Variant of Uncertain Significance.

Women's Health and Genetics/Laboratory Corporation of America, LabCorp
Classification: Uncertain significance. Last evaluated: 2020-08-20. Review status: criteria provided, single submitter. Criteria: LabCorp Variant Classification Summary - May 2015. Collection method: clinical testing. Allele origin: germline.
Comment: Variant summary: ATM c.663-8C>A alters a non-conserved nucleotide located close to a canonical splice site and therefore could affect mRNA splicing, leading to a significantly altered protein sequence. 4/4 computational tools predict no significant impact on normal splicing. However, these predictions have yet to be confirmed by functional studies. The variant was absent in 250978 control chromosomes. The available data on variant occurrences in the general population are insufficient to allow any conclusion about variant significance. To our knowledge, no occurrence of c.663-8C>A in individuals affected with Ataxia-Telangiectasia and no experimental evidence demonstrating its impact on protein function have been reported. One other clinical diagnostic laboratory has submitted a clinical-significance assessment for this variant to ClinVar after 2014 without evidence for independent evaluation and cited the variant as uncertain significance. Based on the evidence outlined above, the variant was classified as uncertain significance.

Natera, Inc.
Classification: Uncertain significance for Ataxia-telangiectasia. Last evaluated: 2020-09-01. Review status: no assertion criteria provided. Collection method: clinical testing. Allele origin: germline. Not counted in ClinVar's aggregate classification.

NM_000051.4(ATM):c.663-8C>A

Gene: ATM (ATM serine/threonine kinase; plus strand). Cytogenetic location: 11q22.3.
Variant type: single nucleotide variant.
Coding change: c.663-8C>A on transcript NM_000051.4 (MANE Select); 8 bases into the intron before coding-DNA position 663, C replaced by A.
Molecular consequence: intron variant.
Genome position (GRCh38, 1-based): chr11:108,244,780, C>A. VCF-style: chr11-108244780-C-A. GRCh37 (hg19) VCF-style: chr11-108115507-C-A.
Other names: c.663-8C>A (NM_001351834.2).
Identifiers: ClinVar variation 407658 (VCV000407658.16), dbSNP rs1060501661, ClinGen allele CA16613249.